The following is an entry in ClinVar:

ClinVar aggregate classification (germline): Uncertain significance (1 of 4 stars; one submission).

Conditions:
Hereditary hemorrhagic telangiectasia (HHT). Also called: ORW DISEASE; Osler Weber Rendu syndrome; OSLER-RENDU-WEBER DISEASE; Osler hemorrhagic telangiectasia syndrome. Identifiers: Orphanet 774, MedGen C0039445, MONDO:0019180. Disease mechanism: loss of function.

Submission:

Labcorp Genetics (formerly Invitae), Labcorp
Classification: Uncertain significance for Hereditary hemorrhagic telangiectasia. Last evaluated: 2022-08-24. Review status: criteria provided, single submitter. Criteria: Invitae Variant Classification Sherloc (09022015). Collection method: clinical testing. Allele origin: germline.
Comment: This variant is not present in population databases (gnomAD no frequency). In summary, the available evidence is currently insufficient to determine the role of this variant in disease. Therefore, it has been classified as a Variant of Uncertain Significance. Advanced modeling of protein sequence and biophysical properties (such as structural, functional, and spatial information, amino acid conservation, physicochemical variation, residue mobility, and thermodynamic stability) performed at Invitae indicates that this missense variant is not expected to disrupt ENG protein function. This variant has not been reported in the literature in individuals affected with ENG-related conditions. This sequence change replaces glycine, which is neutral and non-polar, with glutamic acid, which is acidic and polar, at codon 558 of the ENG protein (p.Gly558Glu).

NM_001114753.3(ENG):c.1673G>A (p.Gly558Glu)

Genes: ENG (endoglin; minus strand), LOC102723566 (uncharacterized LOC102723566; plus strand). Cytogenetic location: 9q34.11.
Variant type: single nucleotide variant.
Coding change: c.1673G>A on transcript NM_001114753.3 (MANE Select); coding-DNA position 1673, G replaced by A.
Protein change: p.Gly558Glu; replaces glycine 558 with glutamic acid.
Molecular consequence: missense variant.
Genome position (GRCh38, 1-based): chr9:127,818,133, C>T on the plus strand (G>A on the coding strand, the complement: ENG is on the minus strand). VCF-style: chr9-127818133-C-T. GRCh37 (hg19) VCF-style: chr9-130580412-C-T.
Other names: c.1673G>A, p.Gly558Glu (NM_000118.4); c.1127G>A, p.Gly376Glu (NM_001278138.2); short protein forms G376E, G558E.
Identifiers: ClinVar variation 2159111 (VCV002159111.4), dbSNP rs1830375417, ClinGen allele CA374974011.
Genomic context (GRCh38, chr9:127,818,133, plus strand): 5'-CCTGGAAGCTCCCACTTGAAGCTGGGGCCGGCCCAGGCCCCACTCACCTGGTCTTGAGAC[C>T]CGGTCTTGGGACGCAGGGCTACCGTGCAGCTGAGGGTGCCGGTTTTGGGTATGGGTACTG-3'
Protein context (NP_001108225.1, residues 548-568): SCTVALRPKT[Gly558Glu]SQDQEVHRTV